The following is an entry in ClinVar:

ClinVar aggregate classification (germline): Likely benign (0 of 4 stars; one submission).

Conditions:
PLXNA4-related disorder. Also called: PLXNA4-related condition.

Allele frequency attached by ClinVar (database versions not stated): ExAC 0.00001; gnomAD 0.00001; TOPMed 0.00001; gnomAD exomes 0.00002.
gnomAD v4.1: 24 of 1,610,834 alleles (0.0015%); highest among the groups gnomAD compares: Non-Finnish European, 0.0019%; no homozygotes.

Submission:

PreventionGenetics, part of Exact Sciences
Classification: Likely benign for PLXNA4-related condition. Last evaluated: 2021-06-10. Review status: no assertion criteria provided. Collection method: clinical testing. Allele origin: germline.
Comment: This variant is classified as likely benign based on ACMG/AMP sequence variant interpretation guidelines (Richards et al. 2015 PMID: 25741868, with internal and published modifications).

NM_020911.2(PLXNA4):c.3493-7T>C

Gene: PLXNA4 (plexin A4; minus strand). Cytogenetic location: 7q32.3.
Variant type: single nucleotide variant.
Coding change: c.3493-7T>C on transcript NM_020911.2 (MANE Select); 7 bases into the intron before coding-DNA position 3493, T replaced by C.
Molecular consequence: intron variant.
Genome position (GRCh38, 1-based): chr7:132,180,739, A>G on the plus strand (T>C on the coding strand, the complement: PLXNA4 is on the minus strand). VCF-style: chr7-132180739-A-G. GRCh37 (hg19) VCF-style: chr7-131865498-A-G.
Other names: c.3493-7T>C (NM_001393897.1).
Identifiers: ClinVar variation 3053890 (VCV003053890.2), dbSNP rs769266358, ClinGen allele CA4489474.
Genomic context (GRCh38, chr7:132,180,739, plus strand): 5'-AGTGTAGTTCAGCTTCACGTTGCCCCCAGCCACAGGCGGGATCAGGTTCTTGCCCTGTAC[A>G]AATGGGAAAGCACCAGTTCCCACCCCAGAGTGAGGACCACAGCTACCAGCTGGCTCTCAT-3'